The following is an entry in ClinVar:

NM_000261.2(MYOC):c.1058C>T (p.Thr353Ile)

Gene: MYOC (myocilin; minus strand). Cytogenetic location: 1q24.3.
Variant type: single nucleotide variant.
Coding change: c.1058C>T on transcript NM_000261.2 (MANE Select); coding-DNA position 1058, C replaced by T.
Protein change: p.Thr353Ile; replaces threonine 353 with isoleucine.
Molecular consequence: missense variant.
Genome position (GRCh38, 1-based): chr1:171,636,382, G>A on the plus strand (C>T on the coding strand, the complement: MYOC is on the minus strand). VCF-style: chr1-171636382-G-A. GRCh37 (hg19) VCF-style: chr1-171605522-G-A.
Other names: NM_000261.2:c.1058C>T; short protein forms T353I.
Identifiers: ClinVar variation 1013538 (VCV001013538.20), dbSNP rs137853277, ClinGen allele CA1244086.

ClinVar aggregate classification (germline): Likely benign. Review status: reviewed by expert panel (3 of 4 stars). 3 submissions from 3 submitters: Likely benign (1). 2 of the submissions do not count toward it. Last evaluated 2025-12-03.

Conditions:
Open-angle glaucoma. Identifiers: MedGen C0017612, MONDO:0005338, HP:0012108.

Allele frequency attached by ClinVar (database versions not stated): gnomAD 0.00028 and 0.00040; TOPMed 0.00036; ExAC 0.00059; gnomAD exomes 0.00070; 1000 Genomes Project 30x 0.00203; 1000 Genomes Project 0.00220.

Submissions (3):

ClinGen Glaucoma Variant Curation Expert Panel
Classification: Likely benign for Open-angle glaucoma. Last evaluated: 2025-12-03. Review status: reviewed by expert panel. Criteria: ClinGen Glaucoma ACMG Specifications V2.0.0 Approved. Collection method: curation. Allele origin: germline. Inheritance: Autosomal dominant inheritance.
Comment: The c.1058C>T variant in MYOC is a missense variant predicted to cause substitution of Threonine by Isoleucine at amino acid 353 (p.Thr353Ile). The highest minor allele frequency of this variant was in the East Asian genetic ancestry group of gnomAD (v4.1.0) = 0.005259, which met the ≥ 0.001 threshold set for BS1 (236 alleles out of 44,876, meeting the threshold of ≥ 5 of at least 2,000 observed alleles). The REVEL score = 0.316, which was neither above nor below the thresholds for PP3 (≥ 0.644) or BP4 (≤ 0.290), predicting a damaging or benign impact on MYOC function. The Thr353Ile protein had similar stability and secretion levels compared to wild type myocilin protein in these studies (PMIDs: 16466712, 25524706). The assays met the OddsPath threshold for BS3_Moderate (< 0.23), indicating that this variant did not impact protein function. This protein has also been assessed in this other study (PMID: 36579626), however, the same level of evidence was not met. As BS1 was met, PP1 did not apply and segregations were not counted. Although probands with juvenile or primary open angle glaucoma have been reported carrying this variant, PM2_Supporting was not met, therefore PS4 did not apply. In summary, this variant met the criteria to receive a score of -6 and to be classified as likely benign (likely benign classification range -2 to -6, adapted from PMID: 32720330) for juvenile open angle glaucoma based on the ACMG/AMP criteria met, as specified by the ClinGen Glaucoma VCEP (v2.0.0, 5 Dec 2024): BS1, BS3_Moderate.

Labcorp Genetics (formerly Invitae), Labcorp
Classification: Benign. Last evaluated: 2024-10-18. Review status: criteria provided, single submitter. Criteria: Invitae Variant Classification Sherloc (09022015). Collection method: clinical testing. Allele origin: germline. Not counted in ClinVar's aggregate classification.

Mendelics
Classification: Benign. Last evaluated: 2023-08-22. Review status: criteria provided, single submitter. Criteria: Mendelics Assertion Criteria 2019. Collection method: clinical testing. Allele origin: germline. Not counted in ClinVar's aggregate classification.

Literature cited by the submitters: PubMed 36579626 (cited by ClinGen Glaucoma Variant Curation Expert Panel); PubMed 16466712 (cited by ClinGen Glaucoma Variant Curation Expert Panel); PubMed 25524706 (cited by ClinGen Glaucoma Variant Curation Expert Panel).